The following is an entry in ClinVar:

NM_020964.3(EPG5):c.6050-486A>G

Gene: EPG5 (ectopic P-granules 5 autophagy tethering factor; minus strand). Cytogenetic location: 18q12.3.
Variant type: single nucleotide variant.
Coding change: c.6050-486A>G on transcript NM_020964.3 (MANE Select); 486 bases into the intron before coding-DNA position 6050, A replaced by G.
Molecular consequence: intron variant.
Genome position (GRCh38, 1-based): chr18:45,871,228, T>C on the plus strand (A>G on the coding strand, the complement: EPG5 is on the minus strand). VCF-style: chr18-45871228-T-C. GRCh37 (hg19) VCF-style: chr18-43451193-T-C.
Other names: c.6050-486A>G (NM_001410858.1); c.6047-486A>G (NM_001410859.1).
Identifiers: ClinVar variation 3765850 (VCV003765850.1).
Genomic context (GRCh38, chr18:45,871,228, plus strand): 5'-GCATGAAGAAATGCTCAGCATCACTGATCATTAGAGAAATGCAAACTAAAACCACAACAA[T>C]GTATCAGTGCACAGCTGTTAGGATAGCTGTTATCGAAAAGATGAACGATAACAAGTGTTA-3'

ClinVar aggregate classification (germline): Uncertain significance (1 of 4 stars; one submission).

gnomAD v4.1: 62 of 152,298 alleles (0.041%); highest among the groups gnomAD compares: Middle Eastern, 0.68%; no homozygotes.

Submission:

Greenwood Genetic Center Diagnostic Laboratories, Greenwood Genetic Center
Classification: Uncertain significance. Last evaluated: 2024-12-31. Review status: criteria provided, single submitter. Criteria: ACMG Guidelines, 2015. Collection method: clinical testing. Allele origin: germline. Affected: yes.
Comment: BP4